The following is an entry in ClinVar:

ClinVar aggregate classification (germline): Pathogenic. Review status: criteria provided, multiple submitters, no conflicts (2 of 4 stars). 2 submissions from 2 submitters: Pathogenic (2). Last evaluated 2024-02-01.

Conditions:
Rare genetic deafness. Identifiers: Orphanet 96210, MedGen C5680250.

Allele frequency attached by ClinVar (database versions not stated): gnomAD exomes below 0.00001.
gnomAD v4.1: 1 of 1,611,026 alleles (0.000062%); highest among the groups gnomAD compares: Non-Finnish European, 0.000085%; no homozygotes.

Submissions (2):

Labcorp Genetics (formerly Invitae), Labcorp
Classification: Pathogenic. Last evaluated: 2024-02-01. Review status: criteria provided, single submitter. Criteria: Invitae Variant Classification Sherloc (09022015). Collection method: clinical testing. Allele origin: germline.
Comment: This sequence change creates a premature translational stop signal (p.Gln940*) in the OTOF gene. It is expected to result in an absent or disrupted protein product. Loss-of-function variants in OTOF are known to be pathogenic (PMID: 18381613, 19250381, 22575033). This variant is present in population databases (rs727504936, gnomAD 0.0009%). This variant has not been reported in the literature in individuals affected with OTOF-related conditions. ClinVar contains an entry for this variant (Variation ID: 179539). Algorithms developed to predict the effect of sequence changes on RNA splicing suggest that this variant may disrupt the consensus splice site. For these reasons, this variant has been classified as Pathogenic.

Laboratory for Molecular Medicine, Mass General Brigham Personalized Medicine
Classification: Pathogenic for Rare genetic deafness. Last evaluated: 2014-01-30. Review status: criteria provided, single submitter. Criteria: LMM Criteria. Collection method: clinical testing. Allele origin: germline. Inheritance: Autosomal recessive inheritance. Observed: 2 variant alleles.
Comment: The Gln940X variant in OTOF has not been previously reported in individuals with hearing loss or in large population studies. This nonsense variant leads to a p remature termination codon at position 940, which is predicted to lead to a trun cated or absent protein. In summary, this variant meets our criteria to be class ified as pathogenic.

Literature cited by the submitters: PubMed 18381613 (cited by Labcorp Genetics (formerly Invitae), Labcorp); PubMed 19250381 (cited by Labcorp Genetics (formerly Invitae), Labcorp); PubMed 22575033 (cited by Labcorp Genetics (formerly Invitae), Labcorp).

NM_194248.3(OTOF):c.2818C>T (p.Gln940Ter)

Gene: OTOF (otoferlin; minus strand). Cytogenetic location: 2p23.3.
Variant type: single nucleotide variant.
Coding change: c.2818C>T on transcript NM_194248.3 (MANE Select); coding-DNA position 2818, C replaced by T.
Protein change: p.Gln940Ter; replaces glutamine 940 with a stop codon.
Molecular consequence: nonsense.
Genome position (GRCh38, 1-based): chr2:26,476,176, G>A on the plus strand (C>T on the coding strand, the complement: OTOF is on the minus strand). VCF-style: chr2-26476176-G-A. GRCh37 (hg19) VCF-style: chr2-26699044-G-A.
Other names: c.2818C>T, p.Gln940Ter (NM_001287489.2); c.577C>T, p.Gln193Ter (NM_004802.4, NM_194323.3); c.748C>T, p.Gln250Ter (NM_194322.3); short protein forms Q940*, Q193*, Q250*.
Identifiers: ClinVar variation 179539 (VCV000179539.7), dbSNP rs727504936, ClinGen allele CA273636.